The following is an entry in ClinVar:

ClinVar aggregate classification (germline): Uncertain significance. Review status: criteria provided, multiple submitters, no conflicts (2 of 4 stars). 4 submissions from 4 submitters: Uncertain significance (3). 1 of the submissions does not count toward it. Last evaluated 2025-07-15.

Conditions:
Combined oxidative phosphorylation defect type 25. Also called: Combined oxidative phosphorylation deficiency 25. Identifiers: Orphanet 447954, MedGen C5567742, MONDO:0014636, OMIM 616430.

Allele frequency attached by ClinVar (database versions not stated): TOPMed 0.00013; gnomAD 0.00001; gnomAD exomes 0.00001 and below 0.00001.
gnomAD v4.1: 16 of 1,613,700 alleles (0.00099%); highest among the groups gnomAD compares: African/African-American, 0.004%; no homozygotes.

Submissions (4):

Labcorp Genetics (formerly Invitae), Labcorp
Classification: Uncertain significance. Last evaluated: 2025-07-15. Review status: criteria provided, single submitter. Criteria: Invitae Variant Classification Sherloc (09022015). Collection method: clinical testing. Allele origin: germline.
Comment: This sequence change replaces arginine, which is basic and polar, with tryptophan, which is neutral and slightly polar, at codon 142 of the MARS2 protein (p.Arg142Trp). This variant is present in population databases (rs794726870, gnomAD 0.007%). This missense change has been observed in individual(s) with MARS2-related conditions (PMID: 25754315). It has also been observed to segregate with disease in related individuals. ClinVar contains an entry for this variant (Variation ID: 193028). Invitae Evidence Modeling of protein sequence and biophysical properties (such as structural, functional, and spatial information, amino acid conservation, physicochemical variation, residue mobility, and thermodynamic stability) indicates that this missense variant is expected to disrupt MARS2 protein function with a positive predictive value of 80%. In summary, the available evidence is currently insufficient to determine the role of this variant in disease. Therefore, it has been classified as a Variant of Uncertain Significance.

GeneDx
Classification: Uncertain significance. Last evaluated: 2024-11-05. Review status: criteria provided, single submitter. Criteria: GeneDx Variant Classification Process June 2021. Collection method: clinical testing. Allele origin: germline. Affected: yes.
Comment: Observed with a second MARS2 variant on the opposite allele (in trans) in siblings with developmental delay, poor growth, and sensorineural hearing loss in published literature (PMID: 25754315); In silico analysis supports that this missense variant has a deleterious effect on protein structure/function; Not observed at significant frequency in large population cohorts (gnomAD); This variant is associated with the following publications: (PMID: 25754315)

Women's Health and Genetics/Laboratory Corporation of America, LabCorp
Classification: Uncertain significance. Last evaluated: 2022-06-09. Review status: criteria provided, single submitter. Criteria: LabCorp Variant Classification Summary - May 2015. Collection method: clinical testing. Allele origin: germline.
Comment: Variant summary: MARS2 c.424C>T (p.Arg142Trp) results in a non-conservative amino acid change located in the Methionyl/Leucyl tRNA synthetase domain (IPR015413) of the encoded protein sequence. Five of five in-silico tools predict a damaging effect of the variant on protein function. The variant allele was found at a frequency of 4e-06 in 249786 control chromosomes (gnomAD). c.424C>T has been reported in two compound heterozygous individuals from one family affected with developmental delay, poor growth, and sensorineural hearing loss (Webb_2015). These data indicate that the variant may be associated with disease. One submitter has provided clinical-significance assessments for this variant to ClinVar after 2014 and classified the variant as pathogenic. Based on the evidence outlined above, the variant was classified as VUS-possibly pathogenic.

OMIM
Classification: Pathogenic for COMBINED OXIDATIVE PHOSPHORYLATION DEFICIENCY 25 (1 family). Last evaluated: 2015-06-01. Review status: no assertion criteria provided. Collection method: literature only. Allele origin: germline. Not counted in ClinVar's aggregate classification.

Literature cited by the submitters: PubMed 25754315 (cited by 3 submitters).

NM_138395.4(MARS2):c.424C>T (p.Arg142Trp)

Gene: MARS2 (methionyl-tRNA synthetase 2, mitochondrial; plus strand). Cytogenetic location: 2q33.1.
Variant type: single nucleotide variant.
Coding change: c.424C>T on transcript NM_138395.4 (MANE Select); coding-DNA position 424, C replaced by T.
Protein change: p.Arg142Trp; replaces arginine 142 with tryptophan.
Molecular consequence: missense variant.
Genome position (GRCh38, 1-based): chr2:197,705,829, C>T. VCF-style: chr2-197705829-C-T. GRCh37 (hg19) VCF-style: chr2-198570553-C-T.
Other names: short protein forms R142W.
Identifiers: ClinVar variation 193028 (VCV000193028.5), dbSNP rs794726870, ClinGen allele CA200270.
Genomic context (GRCh38, chr2:197,705,829, plus strand): 5'-CAGCAGCTTTTCCAGGAGGCCGGTATCTCCTGCACAGATTTCATCCGCACCACGGAGGCC[C>T]GGCACCGGGTGGCTGTGCAGCACTTCTGGGGGGTGCTTAAGTCCCGCGGTCTGCTCTACA-3'
Protein context (NP_612404.1, residues 132-152): CTDFIRTTEA[Arg142Trp]HRVAVQHFWG